The following is an entry in ClinVar:

ClinVar aggregate classification (germline): Uncertain significance (1 of 4 stars; one submission).

Conditions:
Cystic fibrosis (CF). Also called: MUCOVISCIDOSIS. Identifiers: Orphanet 586, MedGen C0010674, MONDO:0009061, OMIM 219700. Disease mechanism: loss of function.

Submission:

Ambry Genetics
Classification: Uncertain significance for Cystic fibrosis. Last evaluated: 2021-07-20. Review status: criteria provided, single submitter. Criteria: Ambry Variant Classification Scheme 2023. Collection method: clinical testing. Allele origin: germline.
Comment: The p.R657K variant (also known as c.1970G>A), located in coding exon 14 of the CFTR gene, results from a G to A substitution at nucleotide position 1970. The arginine at codon 657 is replaced by lysine, an amino acid with highly similar properties. This amino acid position is conserved. In addition, this alteration is predicted to be deleterious by in silico analysis. Since supporting evidence is limited at this time, the clinical significance of this alteration remains unclear.

NM_000492.4(CFTR):c.1970G>A (p.Arg657Lys)

Gene: CFTR (CF transmembrane conductance regulator; plus strand). Cytogenetic location: 7q31.2.
Variant type: single nucleotide variant.
Coding change: c.1970G>A on transcript NM_000492.4 (MANE Select); coding-DNA position 1970, G replaced by A.
Protein change: p.Arg657Lys; replaces arginine 657 with lysine.
Molecular consequence: missense variant.
Genome position (GRCh38, 1-based): chr7:117,592,137, G>A. VCF-style: chr7-117592137-G-A. GRCh37 (hg19) VCF-style: chr7-117232191-G-A.
Other names: short protein forms R657K.
Identifiers: ClinVar variation 1783618 (VCV001783618.2), dbSNP rs2485109594, ClinGen allele CA368979054.
Genomic context (GRCh38, chr7:117,592,137, plus strand): 5'-AGCCAGACTTTAGCTCAAAACTCATGGGATGTGATTCTTTCGACCAATTTAGTGCAGAAA[G>A]AAGAAATTCAATCCTAACTGAGACCTTACACCGTTTCTCATTAGAAGGAGATGCTCCTGT-3'
Protein context (NP_000483.3, residues 647-667): CDSFDQFSAE[Arg657Lys]RNSILTETLH